The following is an entry in ClinVar:

ClinVar aggregate classification (germline): Pathogenic (1 of 4 stars; one submission).

Submission:

Labcorp Genetics (formerly Invitae), Labcorp
Classification: Pathogenic. Last evaluated: 2024-08-15. Review status: criteria provided, single submitter. Criteria: Invitae Variant Classification Sherloc (09022015). Collection method: clinical testing. Allele origin: germline.
Comment: This sequence change creates a premature translational stop signal (p.Ile17Thrfs*13) in the TRIOBP gene. It is expected to result in an absent or disrupted protein product. Loss-of-function variants in TRIOBP are known to be pathogenic (PMID: 16385457, 16385458, 20510926). This variant is not present in population databases (gnomAD no frequency). This variant has not been reported in the literature in individuals affected with TRIOBP-related conditions. For these reasons, this variant has been classified as Pathogenic.

Literature cited by the submitters: PubMed 16385457; PubMed 16385458; PubMed 20510926.

NM_001039141.3(TRIOBP):c.50_51del (p.Ile17fs)

Gene: TRIOBP (TRIO and F-actin binding protein; plus strand). Cytogenetic location: 22q13.1.
Variant type: Deletion.
Coding change: c.50_51del on transcript NM_001039141.3 (MANE Select); coding-DNA positions 50 to 51, 2 bases deleted (TA; older notation c.50_51delTA).
Protein change: p.Ile17fs; shifts the reading frame from isoleucine 17.
Molecular consequence: frameshift variant.
Genome position (GRCh38, 1-based): chr22:37,701,415-37,701,416, TA deleted; deleting any 2 consecutive bases within chr22:37,701,414-37,701,416 gives the same sequence; the c. name uses the placement nearest the transcript's 3' end. VCF-style (leftmost placement, unchanged base first): chr22-37701413-CAT-C. GRCh37 (hg19) VCF-style: chr22-38097420-CAT-C.
Other names: short protein forms I17fs.
Identifiers: ClinVar variation 3660031 (VCV003660031.2).
Genomic context (GRCh38, chr22:37,701,413, plus strand): 5'-TGACTCACCCAATATGGAGGAGGTGCCTGGGGATGCCCTGTGTGAACACTTTGAGGCCAA[CAT>C]ACTTACCCAGAACCGCTGTCAAAACTGCTTCCACCCTGAGGAGGCCCATGGAGCAAGATA-3'